The following is an entry in ClinVar:

ClinVar aggregate classification (germline): Uncertain significance (1 of 4 stars; one submission).

Conditions:
RASopathy. Also called: Noonan spectrum disorder; rasopathies. Identifiers: Orphanet 536391, MedGen C5555857, MONDO:0021060.

Submission:

Labcorp Genetics (formerly Invitae), Labcorp
Classification: Uncertain significance for RASopathy. Last evaluated: 2022-06-10. Review status: criteria provided, single submitter. Criteria: Invitae Variant Classification Sherloc (09022015). Collection method: clinical testing. Allele origin: germline.
Comment: In summary, the available evidence is currently insufficient to determine the role of this variant in disease. Therefore, it has been classified as a Variant of Uncertain Significance. Experimental studies and prediction algorithms are not available or were not evaluated, and the functional significance of this variant is currently unknown. This variant has not been reported in the literature in individuals affected with PTPN11-related conditions. This variant is a gross deletion of the genomic region encompassing exon(s) 7-16 of the PTPN11 gene, which includes the termination codon. This deletion extends beyond the assayed region for this gene and therefore may encompass additional genes. While this deletion is not anticipated to lead to nonsense mediated decay, it is expected to alter mRNA translation or result in a truncated protein product.

NC_000012.11:g.(?_112910728)_(113008334_?)del

Gene: PTPN11 (protein tyrosine phosphatase non-receptor type 11; plus strand). Cytogenetic location: 12q24.13.
Variant type: Deletion.
Identifiers: ClinVar variation 2424546 (VCV002424546.4).